The following is an entry in ClinVar:

NM_001845.6(COL4A1):c.3868G>A (p.Gly1290Ser)

Gene: COL4A1 (collagen type IV alpha 1 chain; minus strand). Cytogenetic location: 13q34.
Variant type: single nucleotide variant.
Coding change: c.3868G>A on transcript NM_001845.6 (MANE Select); coding-DNA position 3868, G replaced by A.
Protein change: p.Gly1290Ser; replaces glycine 1290 with serine.
Molecular consequence: missense variant.
Genome position (GRCh38, 1-based): chr13:110,169,637, C>T on the plus strand (G>A on the coding strand, the complement: COL4A1 is on the minus strand). VCF-style: chr13-110169637-C-T. GRCh37 (hg19) VCF-style: chr13-110821984-C-T.
Other names: c.3868G>A (NM_001845.4); short protein forms G1290S.
Identifiers: ClinVar variation 4849962 (VCV004849962.3).

ClinVar aggregate classification (germline): Conflicting classifications of pathogenicity. Review status: criteria provided, conflicting classifications (1 of 4 stars). 3 submissions from 3 submitters: Likely pathogenic (2); Uncertain significance (1). Last evaluated 2026-08-20.

Conditions:
Autosomal dominant COL4A1-related disorders.
Inborn genetic diseases. Identifiers: MedGen C0950123, MeSH D030342.

gnomAD v4.1: 1 of 1,613,998 alleles (0.000062%); highest among the groups gnomAD compares: Non-Finnish European, 0.000085%; no homozygotes.

Submissions (3):

Ambry Genetics
Classification: Uncertain significance for Inborn genetic diseases. Last evaluated: 2026-08-20. Review status: criteria provided, single submitter. Criteria: Ambry Variant Classification Scheme 2023. Collection method: clinical testing. Allele origin: germline.

GeneDx
Classification: Likely pathogenic. Last evaluated: 2026-02-26. Review status: criteria provided, single submitter. Criteria: GeneDx Variant Classification Process June 2021. Collection method: clinical testing. Allele origin: germline.
Comment: Affects a glycine residue in a Gly-X-Y motif in the triple helical region of the COL4A1 gene, where the majority of pathogenic missense variants occur, and is predicted to disrupt normal protein folding and function (PMID: 22522439, 23225343); Not observed at significant frequency in large population cohorts (gnomAD); In silico analysis supports that this missense variant has a deleterious effect on protein structure/function; Has not been previously published as pathogenic or benign to our knowledge; This variant is associated with the following publications: (PMID: 22522439, 23225343)

Variantyx, Inc.
Classification: Likely pathogenic for Autosomal dominant COL4A1-related disorders. Last evaluated: 2026-01-15. Review status: criteria provided, single submitter. Criteria: Variantyx Assertion Criteria 2022. Collection method: clinical testing. Allele origin: germline. Inheritance: Autosomal dominant inheritance. Affected: yes.
Comment: This is a nonsynonymous variant in the COL4A1 gene (OMIM: 120130). Pathogenic variants in this gene have been associated with autosomal dominant COL4A1-related disorders. This variant lies within a known hotspot for pathogenic variants or a well-established critical functional domain of the COL4A1 protein (PMID: 28098982) (PM1_Strong) and multiple computational algorithms predict a deleterious effect for this variant (REVEL score: 0.97) (PP3). This variant has a 0.0001% maximum allele frequency in non-founder control populations (PM2). and it has not been reported in individuals with COL4A1-related disorders in the databases available for review. Based on the current evidence, this variant is classified as likely pathogenic for autosomal dominant COL4A1-related disorders.

Literature cited by the submitters: PubMed 28098982 (cited by Variantyx, Inc.).